The following is an entry in ClinVar:

NM_057175.5(NAA15):c.841G>T (p.Glu281Ter)

Gene: NAA15 (N-alpha-acetyltransferase 15, NatA auxiliary subunit; plus strand). Cytogenetic location: 4q31.1.
Variant type: single nucleotide variant.
Coding change: c.841G>T on transcript NM_057175.5 (MANE Select); coding-DNA position 841, G replaced by T.
Protein change: p.Glu281Ter; replaces glutamic acid 281 with a stop codon.
Molecular consequence: nonsense.
Genome position (GRCh38, 1-based): chr4:139,351,220, G>T. VCF-style: chr4-139351220-G-T. GRCh37 (hg19) VCF-style: chr4-140272374-G-T.
Other names: c.841G>T, p.Glu281Ter (NM_001410842.1); short protein forms E281*.
Identifiers: ClinVar variation 3349884 (VCV003349884.2).

ClinVar aggregate classification (germline): Likely pathogenic. Review status: criteria provided, single submitter (1 of 4 stars). 2 submissions from 2 submitters: Likely pathogenic (1). 1 of the submissions does not count toward it.

Conditions:
NAA15-related disorder.
Intellectual developmental disorder, autosomal dominant 50, with behavioral abnormalities. Also called: Intellectual disability, autosomal dominant 50; MENTAL RETARDATION, AUTOSOMAL DOMINANT 50. Identifiers: MedGen C4540470, MONDO:0030916, OMIM 617787.

Submissions (2):

Clinical Genetics Service, Universitary Hospital 12 de Octubre
Classification: Likely pathogenic for Intellectual developmental disorder, autosomal dominant 50, with behavioral abnormalities. Review status: criteria provided, single submitter. Criteria: ACMG Guidelines, 2015. Collection method: clinical testing. Allele origin: de novo. Affected: yes.

PreventionGenetics, part of Exact Sciences
Classification: Likely pathogenic for NAA15-related condition. Last evaluated: 2024-04-08. Review status: no assertion criteria provided. Collection method: clinical testing. Allele origin: germline. Not counted in ClinVar's aggregate classification.
Comment: The NAA15 c.841G>T variant is predicted to result in premature protein termination (p.Glu281*). To our knowledge, this variant has not been reported in the literature or in a large population database, indicating this variant is rare. Nonsense variants in NAA15 are expected to be pathogenic. This variant is interpreted as likely pathogenic.